The following is an entry in ClinVar:

NM_020975.6(RET):c.1679_1680del (p.Pro560fs)

Gene: RET (ret proto-oncogene; plus strand). Cytogenetic location: 10q11.21.
Variant type: Deletion.
Coding change: c.1679_1680del on transcript NM_020975.6 (MANE Select); coding-DNA positions 1679 to 1680, 2 bases deleted (CC; older notation c.1679_1680delCC).
Protein change: p.Pro560fs; shifts the reading frame from proline 560.
Molecular consequence: frameshift variant.
Genome position (GRCh38, 1-based): chr10:43,112,883-43,112,884, CC deleted; deleting any 2 consecutive bases within chr10:43,112,882-43,112,884 gives the same sequence; the c. name uses the placement nearest the transcript's 3' end. VCF-style (leftmost placement, unchanged base first): chr10-43112881-TCC-T. GRCh37 (hg19) VCF-style: chr10-43608329-TCC-T.
Other names: c.917_918del, p.Pro306fs (NM_001355216.2); c.1679_1680del, p.Pro560fs (NM_001406743.1, NM_001406744.1, NM_001406759.1 and 4 more transcripts); c.1550_1551del, p.Pro517fs (NM_001406761.1, NM_001406762.1, NM_001406764.1 and 1 more transcripts); c.1391_1392del, p.Pro464fs (NM_001406766.1, NM_001406767.1, NM_001406770.1); c.1283_1284del, p.Pro428fs (NM_001406769.1, NM_001406772.1); c.1241_1242del, p.Pro414fs (NM_001406771.1, NM_001406773.1); c.1154_1155del, p.Pro385fs (NM_001406774.1); c.953_954del, p.Pro318fs (NM_001406775.1, NM_001406776.1, NM_001406777.1 and 1 more transcripts); and 5 more; short protein forms P261fs, P385fs, P218fs, P230fs, P306fs, P318fs, P428fs, P517fs.
Identifiers: ClinVar variation 5028165 (VCV005028165.1).

ClinVar aggregate classification (germline): Pathogenic (1 of 4 stars; one submission).

Conditions:
Hereditary cancer-predisposing syndrome. Also called: Neoplastic Syndromes, Hereditary; Tumor predisposition; Hereditary neoplastic syndrome; Hereditary Cancer Syndrome. Identifiers: Orphanet 140162, MedGen C0027672, MeSH D009386, MONDO:0015356.

Submission:

Ambry Genetics
Classification: Pathogenic for Hereditary cancer-predisposing syndrome. Last evaluated: 2026-07-06. Review status: criteria provided, single submitter. Criteria: Ambry Variant Classification Scheme 2023. Collection method: clinical testing. Allele origin: germline.
Comment: The c.1679_1680delCC pathogenic mutation, located in coding exon 9 of the RET gene, results from a deletion of two nucleotides at nucleotide positions 1679 to 1680, causing a translational frameshift with a predicted alternate stop codon (p.P560Qfs*43). This alteration is expected to result in loss of function by premature protein truncation or nonsense-mediated mRNA decay. Loss-of-function variants in RET are known to cause Hirschsprung disease; however, such associations with Multiple Endocrine Neoplasia Type-2 (MEN2) have not been observed (Amiel J and Lyonnet S. J Med Genet. 2001 Nov;38(11):729-39; Wagner SM et al. Clinics (Sao Paulo). 2012;67 Suppl 1(Suppl 1):77-84). This variant is considered to be rare based on population cohorts in the Genome Aggregation Database (gnomAD). Based on the supporting evidence, this variant is pathogenic for Hirschsprung disease; however, the association of this variant with MEN2 is unlikely.